The following is an entry in ClinVar:

ClinVar aggregate classification (germline): Likely benign. Review status: criteria provided, multiple submitters, no conflicts (2 of 4 stars). 4 submissions from 4 submitters: Likely benign (4). Last evaluated 2025-08-18.

Allele frequency attached by ClinVar (database versions not stated): TOPMed 0.00509; 1000 Genomes Project 30x 0.00515; 1000 Genomes Project 0.00519; ESP Exome Variant Server 0.00560; gnomAD 0.00587 and 0.00595; ExAC 0.00625; gnomAD exomes 0.00630 and 0.00777.
gnomAD v4.1: 12,249 of 1,614,006 alleles (0.76%); highest among the groups gnomAD compares: Non-Finnish European, 0.87%; 73 homozygotes.

Submissions (4):

Genomic Medicine Center of Excellence, King Faisal Specialist Hospital and Research Centre
Classification: Likely benign. Last evaluated: 2025-08-18. Review status: criteria provided, single submitter. Criteria: ACMG Guidelines, 2015. Collection method: clinical testing. Allele origin: germline.

CeGaT Center for Human Genetics Tuebingen
Classification: Likely benign. Last evaluated: 2023-02-01. Review status: criteria provided, single submitter. Criteria: CeGaT Center For Human Genetics Tuebingen Variant Classification Criteria Version 2. Collection method: clinical testing. Allele origin: germline. Affected: yes. Observed: 1 variant allele.
Comment: FER1L6: BS2

Labcorp Genetics (formerly Invitae), Labcorp
Classification: Likely benign. Last evaluated: 2019-12-31. Review status: criteria provided, single submitter. Criteria: Invitae Variant Classification Sherloc (09022015). Collection method: clinical testing. Allele origin: germline.

Breakthrough Genomics
Classification: Likely benign. Review status: criteria provided, single submitter. Criteria: ACMG Guidelines, 2015. Collection method: not provided. Allele origin: germline. Inheritance: Unknown mechanism. Affected: yes.

NM_001039112.2(FER1L6):c.260T>A (p.Ile87Lys)

Gene: FER1L6 (fer-1 like family member 6; plus strand). Cytogenetic location: 8q24.13.
Variant type: single nucleotide variant.
Coding change: c.260T>A on transcript NM_001039112.2 (MANE Select); coding-DNA position 260, T replaced by A.
Protein change: p.Ile87Lys; replaces isoleucine 87 with lysine.
Molecular consequence: missense variant.
Genome position (GRCh38, 1-based): chr8:123,966,166, T>A. VCF-style: chr8-123966166-T-A. GRCh37 (hg19) VCF-style: chr8-124978406-T-A.
Other names: short protein forms I87K.
Identifiers: ClinVar variation 789300 (VCV000789300.30), dbSNP rs74808242, ClinGen allele CA4868507.
Genomic context (GRCh38, chr8:123,966,166, plus strand): 5'-GTGTGCATGGATGGCGGTGTCCGGAATGGTGTCCACACTGCTTTGTGTTGCAGATTGCCA[T>A]AACCATCACCGAGGCTCGCCAGCTGGTGGGTGAGAACATTGACCCAGTTGTGACCATTGA-3'
Protein context (NP_001034201.2, residues 77-97): EVRSQNYQIA[Ile87Lys]TITEARQLVG